The following is an entry in ClinVar:

ClinVar aggregate classification (germline): Uncertain significance (1 of 4 stars; one submission).

Submission:

Dasa
Classification: Uncertain significance. Last evaluated: 2025-05-18. Review status: criteria provided, single submitter. Criteria: DASA Assertion Criteria. Collection method: clinical testing. Allele origin: germline.
Comment: NM_006662.3(SRCAP):c.3388C>G (p.Pro1130Ala) is a missense variant that results in the substitution of proline with alanine. This variant is absent from population databases. The currently available literature and clinical evidence are not sufficient to establish a definitive association between this variant and the reported condition. Therefore, this variant is classified as a variant of uncertain significance.

NM_006662.3(SRCAP):c.3388C>G (p.Pro1130Ala)

Gene: SRCAP (Snf2 related CREBBP activator protein; plus strand). Cytogenetic location: 16p11.2.
Variant type: single nucleotide variant.
Coding change: c.3388C>G on transcript NM_006662.3 (MANE Select); coding-DNA position 3388, C replaced by G.
Protein change: p.Pro1130Ala; replaces proline 1130 with alanine.
Molecular consequence: missense variant.
Genome position (GRCh38, 1-based): chr16:30,721,323, C>G. VCF-style: chr16-30721323-C-G. GRCh37 (hg19) VCF-style: chr16-30732644-C-G.
Other names: short protein forms P1130A.
Identifiers: ClinVar variation 4883221 (VCV004883221.2).